The following is an entry in ClinVar:

NM_198129.4(LAMA3):c.9856+1G>A

Gene: LAMA3 (laminin subunit alpha 3; plus strand). Cytogenetic location: 18q11.2.
Variant type: single nucleotide variant.
Coding change: c.9856+1G>A on transcript NM_198129.4 (MANE Select); the canonical splice donor site of the intron after coding-DNA position 9856, G replaced by A.
Molecular consequence: splice donor variant.
Genome position (GRCh38, 1-based): chr18:23,953,110, G>A. VCF-style: chr18-23953110-G-A. GRCh37 (hg19) VCF-style: chr18-21533074-G-A.
Other names: c.9688+1G>A (NM_001127717.4); c.5029+1G>A (NM_000227.6); c.4861+1G>A (NM_001127718.4).
Identifiers: ClinVar variation 2041299 (VCV002041299.5), dbSNP rs2511702559, ClinGen allele CA402053872.

ClinVar aggregate classification (germline): Pathogenic (1 of 4 stars; one submission).

Submissions (2):

Labcorp Genetics (formerly Invitae), Labcorp
Classification: Pathogenic. Last evaluated: 2022-10-05. Review status: criteria provided, single submitter. Criteria: Invitae Variant Classification Sherloc (09022015). Collection method: clinical testing. Allele origin: germline.
Comment: This variant disrupts a region of the LAMA3 protein in which other variant(s) (p.Ser1689*) have been determined to be pathogenic (PMID: 29797489; Invitae). This suggests that this is a clinically significant region of the protein, and that variants that disrupt it are likely to be disease-causing. For these reasons, this variant has been classified as Pathogenic. Variants that disrupt the consensus splice site are a relatively common cause of aberrant splicing (PMID: 17576681, 9536098). Algorithms developed to predict the effect of sequence changes on RNA splicing suggest that this variant may disrupt the consensus splice site. This variant has not been reported in the literature in individuals affected with LAMA3-related conditions. This variant is not present in population databases (gnomAD no frequency). This sequence change affects a donor splice site in intron 37 of the LAMA3 gene. While this variant is not anticipated to result in nonsense mediated decay, it likely alters RNA splicing and results in a disrupted protein product.

Dr. Peter K. Rogan Lab, Western University
No classification provided (evidence only). Condition: Colon adenocarcinoma. Review status: no classification provided. Collection method: in vitro. Allele origin: not applicable. Functional consequence: retained intron. Not counted in ClinVar's aggregate classification.

Literature cited by the submitters: PubMed 29797489 (cited by Labcorp Genetics (formerly Invitae), Labcorp); PubMed 17576681 (cited by Labcorp Genetics (formerly Invitae), Labcorp); PubMed 9536098 (cited by Labcorp Genetics (formerly Invitae), Labcorp).